The following is an entry in ClinVar:

NM_001994.3(F13B):c.1952+144C>G

Gene: F13B (coagulation factor XIII B chain; minus strand). Cytogenetic location: 1q31.3.
Variant type: single nucleotide variant.
Coding change: c.1952+144C>G on transcript NM_001994.3 (MANE Select); 144 bases into the intron after coding-DNA position 1952, C replaced by G.
Molecular consequence: intron variant.
Genome position (GRCh38, 1-based): chr1:197,040,378, G>C on the plus strand (C>G on the coding strand, the complement: F13B is on the minus strand). VCF-style: chr1-197040378-G-C. GRCh37 (hg19) VCF-style: chr1-197009508-G-C.
Identifiers: ClinVar variation 1245718 (VCV001245718.3), dbSNP rs12134960, ClinGen allele CA10854630.

ClinVar aggregate classification (germline): Benign. Review status: criteria provided, multiple submitters, no conflicts (2 of 4 stars). 2 submissions from 2 submitters: Benign (2). Last evaluated 2018-11-12.

Allele frequency attached by ClinVar (database versions not stated): gnomAD 0.16211 and 0.17636; TOPMed 0.17925; 1000 Genomes Project 0.29832; gnomAD exomes 0.21802; 1000 Genomes Project 30x 0.28998.
gnomAD v4.1: 129,264 of 622,928 alleles (21%); highest among the groups gnomAD compares: East Asian, 68%; 20,004 homozygotes.

Submissions (2):

GeneDx
Classification: Benign. Last evaluated: 2018-11-12. Review status: criteria provided, single submitter. Criteria: GeneDx Variant Classification Process June 2021. Collection method: clinical testing. Allele origin: germline. Affected: yes.
Comment: This variant is associated with the following publications: (PMID: 28865246, 27821352, 18716611)

Breakthrough Genomics
Classification: Benign. Review status: criteria provided, single submitter. Criteria: ACMG Guidelines, 2015. Collection method: not provided. Allele origin: germline. Inheritance: Autosomal recessive inheritance. Affected: yes.